The following is an entry in ClinVar:

NM_001283009.2(RTEL1):c.680A>G (p.Asn227Ser)

Genes: RTEL1 (regulator of telomere elongation helicase 1; plus strand), RTEL1-TNFRSF6B (RTEL1-TNFRSF6B readthrough (NMD candidate); plus strand). Cytogenetic location: 20q13.33.
Variant type: single nucleotide variant.
Coding change: c.680A>G on transcript NM_001283009.2 (MANE Select); coding-DNA position 680, A replaced by G.
Protein change: p.Asn227Ser; replaces asparagine 227 with serine.
Molecular consequence: missense variant. On other transcripts: non-coding transcript variant (1).
Genome position (GRCh38, 1-based): chr20:63,667,534, A>G. VCF-style: chr20-63667534-A-G. GRCh37 (hg19) VCF-style: chr20-62298887-A-G.
Other names: c.11A>G, p.Asn4Ser (NM_001283010.1); c.680A>G, p.Asn227Ser (NM_016434.4); c.752A>G, p.Asn251Ser (NM_032957.5); short protein forms N251S, N227S, N4S.
Identifiers: ClinVar variation 1759361 (VCV001759361.6), dbSNP rs774126648, ClinGen allele CA9964394.

ClinVar aggregate classification (germline): Uncertain significance. Review status: criteria provided, multiple submitters, no conflicts (2 of 4 stars). 2 submissions from 2 submitters: Uncertain significance (2). Last evaluated 2025-04-26.

Conditions:
Pulmonary fibrosis and/or bone marrow failure, Telomere-related, 3. Also called: PULMONARY FIBROSIS AND/OR BONE MARROW FAILURE SYNDROME, TELOMERE-RELATED, 3. Identifiers: Orphanet 2032, MedGen C4225346, MONDO:0014613, OMIM 616373.
Dyskeratosis congenita, autosomal recessive 5 (DKCB5). Identifiers: MedGen C3554656, MONDO:0014076, OMIM 615190.
Inborn genetic diseases. Identifiers: MedGen C0950123, MeSH D030342.

Allele frequency attached by ClinVar (database versions not stated): ExAC 0.00002; gnomAD exomes 0.00001; TOPMed 0.00001.
gnomAD v4.1: 17 of 1,613,888 alleles (0.0011%); highest among the groups gnomAD compares: Admixed American, 0.012%; no homozygotes.

Submissions (2):

Labcorp Genetics (formerly Invitae), Labcorp
Classification: Uncertain significance for Dyskeratosis congenita, autosomal recessive 5; Pulmonary fibrosis and/or bone marrow failure, Telomere-related, 3. Last evaluated: 2025-04-26. Review status: criteria provided, single submitter. Criteria: Invitae Variant Classification Sherloc (09022015). Collection method: clinical testing. Allele origin: germline.
Comment: This sequence change replaces asparagine, which is neutral and polar, with serine, which is neutral and polar, at codon 227 of the RTEL1 protein (p.Asn227Ser). This variant is present in population databases (rs774126648, gnomAD 0.01%). This variant has not been reported in the literature in individuals affected with RTEL1-related conditions. ClinVar contains an entry for this variant (Variation ID: 1759361). An algorithm developed to predict the effect of missense changes on protein structure and function (PolyPhen-2) suggests that this variant is likely to be disruptive. In summary, the available evidence is currently insufficient to determine the role of this variant in disease. Therefore, it has been classified as a Variant of Uncertain Significance.

Ambry Genetics
Classification: Uncertain significance for Inborn genetic diseases. Last evaluated: 2021-07-12. Review status: criteria provided, single submitter. Criteria: Ambry Variant Classification Scheme 2023. Collection method: clinical testing. Allele origin: germline.
Comment: The p.N251S variant (also known as c.752A>G), located in coding exon 7 of the RTEL1 gene, results from an A to G substitution at nucleotide position 752. The asparagine at codon 251 is replaced by serine, an amino acid with highly similar properties. This amino acid position is conserved. In addition, this alteration is predicted to be tolerated by in silico analysis. Since supporting evidence is limited at this time, the clinical significance of this alteration remains unclear.